The following is an entry in ClinVar:

NM_000027.4(AGA):c.131G>A (p.Trp44Ter)

Gene: AGA (aspartylglucosaminidase; minus strand). Cytogenetic location: 4q34.3.
Variant type: single nucleotide variant.
Coding change: c.131G>A on transcript NM_000027.4 (MANE Select); coding-DNA position 131, G replaced by A.
Protein change: p.Trp44Ter; replaces tryptophan 44 with a stop codon.
Molecular consequence: nonsense. On other transcripts: non-coding transcript variant (1).
Genome position (GRCh38, 1-based): chr4:177,440,423, C>T on the plus strand (G>A on the coding strand, the complement: AGA is on the minus strand). VCF-style: chr4-177440423-C-T. GRCh37 (hg19) VCF-style: chr4-178361577-C-T.
Other names: c.131G>A, p.Trp44Ter (NM_001171988.2); c.131G>A (NM_000027.3); short protein forms W44*.
Identifiers: ClinVar variation 3590456 (VCV003590456.3).

ClinVar aggregate classification (germline): Likely pathogenic. Review status: criteria provided, multiple submitters, no conflicts (2 of 4 stars). 2 submissions from 2 submitters: Likely pathogenic (2). Last evaluated 2025-05-12.

Conditions:
Aspartylglucosaminuria (AGU). Also called: AGA DEFICIENCY; GLYCOASPARAGINASE; GLYCOSYLASPARAGINASE DEFICIENCY; Aspartylglucos-aminuria; Aspartylglucos-amidase (AGA) deficiency. Identifiers: Orphanet 93, MedGen C0268225, MONDO:0008830, OMIM 208400, HP:0012068.

gnomAD v4.1: 2 of 1,613,862 alleles (0.00012%); highest among the groups gnomAD compares: Non-Finnish European, 0.00017%; no homozygotes.

Submissions (2):

Natera, Inc.
Classification: Likely pathogenic for Aspartylglucosaminuria. Last evaluated: 2025-05-12. Review status: criteria provided, single submitter. Criteria: Natera Variant Classification Schema (03/2026). Collection method: clinical testing. Allele origin: germline.
Comment: The c.131G>A variant in AGA is a nonsense variant predicted to introduce a stop codon at amino acid 44. This variant is expected to result in nonsense mediated decay, truncation, or a dysfunctional protein product. This variant is rare in the general population with a frequency below the threshold expected for the associated phenotype(s). Given the available evidence, this variant is classified as Likely Pathogenic.

Fulgent Genetics
Classification: Likely pathogenic for Aspartylglucosaminuria. Last evaluated: 2024-04-24. Review status: criteria provided, single submitter. Criteria: ACMG Guidelines, 2015. Collection method: clinical testing. Allele origin: germline.